The following is an entry in ClinVar:

NM_000117.3(EMD):c.359C>T (p.Ser120Leu)

Gene: EMD (emerin; plus strand). Cytogenetic location: Xq28.
Variant type: single nucleotide variant.
Coding change: c.359C>T on transcript NM_000117.3 (MANE Select); coding-DNA position 359, C replaced by T.
Protein change: p.Ser120Leu; replaces serine 120 with leucine.
Molecular consequence: missense variant.
Genome position (GRCh38, 1-based): chrX:154,380,327, C>T. VCF-style: chrX-154380327-C-T. GRCh37 (hg19) VCF-style: chrX-153608687-C-T.
Other names: short protein forms S120L.
Identifiers: ClinVar variation 518731 (VCV000518731.7), dbSNP rs782038352, ClinGen allele CA10561580.

ClinVar aggregate classification (germline): Uncertain significance. Review status: criteria provided, multiple submitters, no conflicts (2 of 4 stars). 2 submissions from 2 submitters: Uncertain significance (2). Last evaluated 2021-09-01.

Conditions:
Cardiovascular phenotype. Identifiers: MedGen CN230736.
X-linked Emery-Dreifuss muscular dystrophy. Also called: Muscular dystrophy, tardive Emery-Dreifuss type, with contractures. Identifiers: Orphanet 261, Orphanet 98863, MedGen C0751337, MONDO:0010680.

Allele frequency attached by ClinVar (database versions not stated): gnomAD exomes below 0.00001 and 0.00001; TOPMed below 0.00001; ExAC 0.00001; gnomAD 0.00001.

Submissions (2):

Labcorp Genetics (formerly Invitae), Labcorp
Classification: Uncertain significance for X-linked Emery-Dreifuss muscular dystrophy. Last evaluated: 2021-09-01. Review status: criteria provided, single submitter. Criteria: Invitae Variant Classification Sherloc (09022015). Collection method: clinical testing. Allele origin: germline.
Comment: This sequence change replaces serine with leucine at codon 120 of the EMD protein (p.Ser120Leu). The serine residue is weakly conserved and there is a large physicochemical difference between serine and leucine. This variant is present in population databases (rs782038352, ExAC 0.002%). This variant has not been reported in the literature in individuals affected with EMD-related conditions. ClinVar contains an entry for this variant (Variation ID: 518731). Algorithms developed to predict the effect of missense changes on protein structure and function are either unavailable or do not agree on the potential impact of this missense change (SIFT: "Deleterious"; PolyPhen-2: "Benign"; Align-GVGD: "Class C15"). In summary, the available evidence is currently insufficient to determine the role of this variant in disease. Therefore, it has been classified as a Variant of Uncertain Significance.

Ambry Genetics
Classification: Uncertain significance for Cardiovascular phenotype. Last evaluated: 2017-11-01. Review status: criteria provided, single submitter. Criteria: Ambry Variant Classification Scheme 2023. Collection method: clinical testing. Allele origin: germline.
Comment: The p.S120L variant (also known as c.359C>T), located in coding exon 4 of the EMD gene, results from a C to T substitution at nucleotide position 359. The serine at codon 120 is replaced by leucine, an amino acid with dissimilar properties. This amino acid position is poorly conserved in available vertebrate species. In addition, this alteration is predicted to be tolerated by in silico analysis. Since supporting evidence is limited at this time, the clinical significance of this alteration remains unclear.